The following is an entry in ClinVar:

NM_032578.4(MYPN):c.2068T>G (p.Phe690Val)

Gene: MYPN (myopalladin; plus strand). Cytogenetic location: 10q21.3.
Variant type: single nucleotide variant.
Coding change: c.2068T>G on transcript NM_032578.4 (MANE Select); coding-DNA position 2068, T replaced by G.
Protein change: p.Phe690Val; replaces phenylalanine 690 with valine.
Molecular consequence: missense variant. On other transcripts: non-coding transcript variant (2).
Genome position (GRCh38, 1-based): chr10:68,174,160, T>G. VCF-style: chr10-68174160-T-G. GRCh37 (hg19) VCF-style: chr10-69933917-T-G.
Other names: c.2068T>G, p.Phe690Val (NM_001256267.2); c.1186T>G, p.Phe396Val (NM_001256268.2); short protein forms F396V, F690V.
Identifiers: ClinVar variation 3602819 (VCV003602819.1).
Genomic context (GRCh38, chr10:68,174,160, plus strand): 5'-GTCTTACTGGAACAACACCAATTGCAAAACCCACCTCCTTCATCTCCTAAGGAGTTTCCT[T>G]TCAGCATGACTGTTTTGAACTCCAATGCTCCCCCAGCGGTGACAACATCCAGTAAGCAGG-3'
Protein context (NP_115967.2, residues 680-700): PPPSSPKEFP[Phe690Val]SMTVLNSNAP

ClinVar aggregate classification (germline): Uncertain significance (1 of 4 stars; one submission).

Submission:

GeneDx
Classification: Uncertain significance. Last evaluated: 2024-08-06. Review status: criteria provided, single submitter. Criteria: GeneDx Variant Classification Process June 2021. Collection method: clinical testing. Allele origin: germline. Affected: yes.
Comment: Not observed at significant frequency in large population cohorts (gnomAD); In silico analysis indicates that this missense variant does not alter protein structure/function; Has not been previously published as pathogenic or benign to our knowledge